The following is an entry in ClinVar:

NC_012920.1(MT-ND5):m.13045A>C

Gene: MT-ND5 (mitochondrially encoded NADH dehydrogenase 5; plus strand).
Variant type: single nucleotide variant.
Genome position: chrM-13045-A-C.
Other names: MTND5, 13045A-C, MET237LEU; M237L.
Identifiers: ClinVar variation 9700 (VCV000009700.2), dbSNP rs267606895, ClinGen allele CA120629.

ClinVar aggregate classification (germline): Uncertain significance. Review status: reviewed by expert panel (3 of 4 stars). 4 submissions from 2 submitters: Uncertain significance (1). 3 of the submissions do not count toward it. Last evaluated 2023-11-13.

Conditions:
Leigh syndrome due to mitochondrial complex I deficiency. Identifiers: MedGen C1838951.
Mitochondrial disease. Also called: Mitochondrial disorder; Mitochondrial disorders. Identifiers: Orphanet 68380, MedGen C0751651, MeSH D028361, MONDO:0044970.
Leber optic atrophy (LHON). Also called: Optic Atrophy, Hereditary, Leber; Leber hereditary optic neuropathy; Leber's disease; Leber's optic atrophy. Identifiers: Orphanet 104, MedGen C0917796, MONDO:0010788, OMIM 535000, HP:0001112.
MELAS syndrome (MELAS). Also called: Juvenile myopathy, encephalopathy, lactic acidosis, stroke. Identifiers: Orphanet 550, MedGen C0162671, MONDO:0010789, OMIM 540000.

Submissions (4):

ClinGen Mitochondrial Disease Nuclear and Mitochondrial  Variant Curation Expert Panel, ClinGen
Classification: Uncertain significance for Mitochondrial disease. Last evaluated: 2023-11-13. Review status: reviewed by expert panel. Criteria: clingen mito disease acmg specifications v1-1. Collection method: curation. Allele origin: germline. Inheritance: Mitochondrial inheritance.
Comment: The variant was present at 82% heteroplasmy in muscle and 13% in blood. There are several occurrences in population databases (absent in gnomAD v3.1.2 and the Helix dataset; present in one individual in the MITOMAP GenBank sequences, 1/61168, 0.00163%). Although there are several occurrences, the frequency is still low (PM2_supporting). The computational predictor APOGEE gives a consensus rating of pathogenic with a score of 0.73 (Min=0, Max=1; score of 0.905 in APOGEE2), which predicts a damaging effect on gene function (PP3). There are no cybrids, supporting single fiber studies, or de novo occurrences reported for this variant. In summary, this variant meets criteria to be classified as uncertain significance for primary mitochondrial disease inherited in a mitochondrial manner. This classification was approved by the NICHD/NINDS U24 ClinGen Mitochondrial Disease Variant Curation Expert Panel on November 13, 2023. Mitochondrial DNA-specific ACMG/AMP criteria applied (PMID: 32906214): PM2_supporting, PM6_supporting, PP3.

OMIM
Classification: Pathogenic for MELAS SYNDROME. Last evaluated: 2003-01-01. Review status: no assertion criteria provided. Collection method: literature only. Allele origin: germline. Not counted in ClinVar's aggregate classification.

OMIM
Classification: Pathogenic for LEBER OPTIC ATROPHY. Last evaluated: 2003-01-01. Review status: no assertion criteria provided. Collection method: literature only. Allele origin: germline. Not counted in ClinVar's aggregate classification.

OMIM
Classification: Pathogenic for LEIGH SYNDROME DUE TO MITOCHONDRIAL COMPLEX I DEFICIENCY. Last evaluated: 2003-01-01. Review status: no assertion criteria provided. Collection method: literature only. Allele origin: germline. Not counted in ClinVar's aggregate classification.

Literature cited by the submitters: PubMed 12509858 (cited by OMIM).